The following is an entry in ClinVar:

ClinVar aggregate classification (germline): Uncertain significance (1 of 4 stars; one submission).

Submission:

Labcorp Genetics (formerly Invitae), Labcorp
Classification: Uncertain significance. Last evaluated: 2023-11-28. Review status: criteria provided, single submitter. Criteria: Invitae Variant Classification Sherloc (09022015). Collection method: clinical testing. Allele origin: germline.
Comment: This sequence change replaces glutamic acid, which is acidic and polar, with aspartic acid, which is acidic and polar, at codon 367 of the IFT81 protein (p.Glu367Asp). This variant is not present in population databases (gnomAD no frequency). This variant has not been reported in the literature in individuals affected with IFT81-related conditions. ClinVar contains an entry for this variant (Variation ID: 999190). Advanced modeling of protein sequence and biophysical properties (such as structural, functional, and spatial information, amino acid conservation, physicochemical variation, residue mobility, and thermodynamic stability) performed at Invitae indicates that this missense variant is not expected to disrupt IFT81 protein function with a negative predictive value of 80%. In summary, the available evidence is currently insufficient to determine the role of this variant in disease. Therefore, it has been classified as a Variant of Uncertain Significance.

NM_014055.4(IFT81):c.1101G>C (p.Glu367Asp)

Gene: IFT81 (intraflagellar transport 81; plus strand). Cytogenetic location: 12q24.11.
Variant type: single nucleotide variant.
Coding change: c.1101G>C on transcript NM_014055.4 (MANE Select); coding-DNA position 1101, G replaced by C.
Protein change: p.Glu367Asp; replaces glutamic acid 367 with aspartic acid.
Molecular consequence: missense variant. On other transcripts: non-coding transcript variant (4).
Genome position (GRCh38, 1-based): chr12:110,162,978, G>C. VCF-style: chr12-110162978-G-C. GRCh37 (hg19) VCF-style: chr12-110600783-G-C.
Other names: c.1101G>C, p.Glu367Asp (NM_001143779.2, NM_001347946.2, NM_031473.4); c.171G>C, p.Glu57Asp (NM_001347947.2, NM_001347948.2); short protein forms E367D, E57D.
Identifiers: ClinVar variation 999190 (VCV000999190.8), dbSNP rs766079820, ClinGen allele CA386914054.
Genomic context (GRCh38, chr12:110,162,978, plus strand): 5'-GGCATCTATCATTTCCCGTAAAAAAGAAGCCAAAGCTGAGGAACTTCAGGAGGCCAAGGA[G>C]AAGTTAGCCAGCCTAGAGAGAGAAGCATCAGTAAAGAGAAATCAGACCCGTGAATTTGAT-3'
Protein context (NP_054774.2, residues 357-377): AKAEELQEAK[Glu367Asp]KLASLEREAS